The following is an entry in ClinVar:

ClinVar aggregate classification (germline): Benign. Review status: criteria provided, single submitter (1 of 4 stars). 2 submissions from 2 submitters: Benign (1). 1 of the submissions does not count toward it. Last evaluated 2018-05-21.

Conditions:
KIF26B-related disorder. Also called: KIF26B-related condition.

Allele frequency attached by ClinVar (database versions not stated): 1000 Genomes Project 30x 0.00406; gnomAD 0.00439; 1000 Genomes Project 0.00479; ESP Exome Variant Server 0.00484; TOPMed 0.00548.
gnomAD v4.1: 1,398 of 1,611,952 alleles (0.087%); highest among the groups gnomAD compares: African/African-American, 1.6%; 14 homozygotes.

Submissions (2):

Labcorp Genetics (formerly Invitae), Labcorp
Classification: Benign. Last evaluated: 2018-05-21. Review status: criteria provided, single submitter. Criteria: Invitae Variant Classification Sherloc (09022015). Collection method: clinical testing. Allele origin: germline.

PreventionGenetics, part of Exact Sciences
Classification: Benign for KIF26B-related condition. Last evaluated: 2019-08-07. Review status: no assertion criteria provided. Collection method: clinical testing. Allele origin: germline. Not counted in ClinVar's aggregate classification.
Comment: This variant is classified as benign based on ACMG/AMP sequence variant interpretation guidelines (Richards et al. 2015 PMID: 25741868, with internal and published modifications).

NM_018012.4(KIF26B):c.6178+9G>A

Gene: KIF26B (kinesin family member 26B; plus strand). Cytogenetic location: 1q44.
Variant type: single nucleotide variant.
Coding change: c.6178+9G>A on transcript NM_018012.4 (MANE Select); 9 bases into the intron after coding-DNA position 6178, G replaced by A.
Molecular consequence: intron variant.
Genome position (GRCh38, 1-based): chr1:245,699,046, G>A. VCF-style: chr1-245699046-G-A. GRCh37 (hg19) VCF-style: chr1-245862348-G-A.
Identifiers: ClinVar variation 716066 (VCV000716066.5), dbSNP rs149164663, ClinGen allele CA1488876.